The following is an entry in ClinVar:

NM_000257.4(MYH7):c.2653A>T (p.Asn885Tyr)

Genes: MYH7 (myosin heavy chain 7; minus strand), LOC126861898 (BRD4-independent group 4 enhancer GRCh37_chr14:23893609-23894808; plus strand). Cytogenetic location: 14q11.2.
Variant type: single nucleotide variant.
Coding change: c.2653A>T on transcript NM_000257.4 (MANE Select); coding-DNA position 2653, A replaced by T.
Protein change: p.Asn885Tyr; replaces asparagine 885 with tyrosine.
Molecular consequence: missense variant.
Genome position (GRCh38, 1-based): chr14:23,424,795, T>A on the plus strand (A>T on the coding strand, the complement: MYH7 is on the minus strand). VCF-style: chr14-23424795-T-A. GRCh37 (hg19) VCF-style: chr14-23894004-T-A.
Other names: short protein forms N885Y.
Identifiers: ClinVar variation 926111 (VCV000926111.5), dbSNP rs1892625736, ClinGen allele CA389047877.
Genomic context (GRCh38, chr14:23,424,795, plus strand): 5'-GGTGGAAGAGCCAACAGTAGCCCAGGAGCCTCACCGCCTGCACTTGGAGCTGCAGGTCAT[T>A]CTTCTCCTGCAGCAGGGACACCATCTTCTCCTCCAGCTCCTTGCGGCGAGCCTCGGACTT-3'
Protein context (NP_000248.2, residues 875-895): EKMVSLLQEK[Asn885Tyr]DLQLQVQAEQ

ClinVar aggregate classification (germline): Uncertain significance (1 of 4 stars; one submission).

Conditions:
Cardiomyopathy (CMYO). Also called: Cardiomyopathies. Identifiers: Orphanet 167848, MedGen C0878544, MONDO:0004994, HP:0001638. Inheritance: Various modes of inheritance.

Submission:

Color Diagnostics, LLC DBA Color Health
Classification: Uncertain significance for Cardiomyopathy. Last evaluated: 2023-12-05. Review status: criteria provided, single submitter. Criteria: ACMG Guidelines, 2015. Collection method: clinical testing. Allele origin: germline.
Comment: Variant of Uncertain Significance due to insufficient evidence: This missense variant replaces asparagine with tyrosine at codon 885 of the MYH7 protein. Computational prediction tools and conservation analyses suggest that this variant may have deleterious impact on the protein function. Computational splicing tools suggest that this variant may not impact RNA splicing. To our knowledge, functional assays have not been performed for this variant nor has this variant been reported in individuals affected with cardiovascular disorders in the literature. This variant is rare in the general population and has been identified in 0/277264 chromosomes by the Genome Aggregation Database (gnomAD). Available evidence is insufficient to determine the role of this variant in disease conclusively.